The following is an entry in ClinVar:

NM_001267550.2(TTN):c.88297G>C (p.Asp29433His)

Genes: TTN (titin; minus strand), TTN-AS1 (TTN antisense RNA 1; plus strand). Cytogenetic location: 2q31.2.
Variant type: single nucleotide variant.
Coding change: c.88297G>C on transcript NM_001267550.2 (MANE Select); coding-DNA position 88297, G replaced by C.
Protein change: p.Asp29433His; replaces aspartic acid 29433 with histidine.
Molecular consequence: missense variant.
Genome position (GRCh38, 1-based): chr2:178,556,857, C>G on the plus strand (G>C on the coding strand, the complement: TTN is on the minus strand). VCF-style: chr2-178556857-C-G. GRCh37 (hg19) VCF-style: chr2-179421584-C-G.
Other names: c.80593G>C, p.Asp26865His (NM_133378.4); c.83374G>C, p.Asp27792His (NM_001256850.1); c.61102G>C, p.Asp20368His (NM_003319.4); c.61477G>C, p.Asp20493His (NM_133432.3); c.61678G>C, p.Asp20560His (NM_133437.4); short protein forms D26865H, D29433H, D20368H, D27792H, D20493H, D20560H.
Identifiers: ClinVar variation 179886 (VCV000179886.5), dbSNP rs189202799, ClinGen allele CA185347.

ClinVar aggregate classification (germline): Uncertain significance (1 of 4 stars; one submission).

gnomAD v4.1: 1 of 1,613,372 alleles (0.000062%); highest among the groups gnomAD compares: African/African-American, 0.0013%; no homozygotes.

Submission:

Laboratory for Molecular Medicine, Mass General Brigham Personalized Medicine
Classification: Uncertain significance. Last evaluated: 2014-07-14. Review status: criteria provided, single submitter. Criteria: LMM Criteria. Collection method: clinical testing. Allele origin: germline. Observed: 1 variant allele.
Comment: The Asp26865His variant in TTN has not been previously reported in individuals w ith cardiomyopathy or in large population studies. Computational prediction tool s and conservation analysis do not provide strong support for or against an impa ct to the protein. A different variant as this same position (Asp26865Asn) has b een identified in 0.4% (11/3104) of African American chromosomes by the NHLBI Ex ome Sequencing Project (dbSNP rs189202799), ra ising the possibility that a change at this position may be tolerated. In summar y, the clinical significance of the Asp26865His variant is uncertain.